The following is an entry in ClinVar:

NM_005337.5(NCKAP1L):c.2956+7T>C

Gene: NCKAP1L (NCK associated protein 1 like; plus strand). Cytogenetic location: 12q13.2.
Variant type: single nucleotide variant.
Coding change: c.2956+7T>C on transcript NM_005337.5 (MANE Select); 7 bases into the intron after coding-DNA position 2956, T replaced by C.
Molecular consequence: intron variant.
Genome position (GRCh38, 1-based): chr12:54,535,204, T>C. VCF-style: chr12-54535204-T-C. GRCh37 (hg19) VCF-style: chr12-54928988-T-C.
Other names: c.2806+7T>C (NM_001184976.2); c.2956+7T>C (NM_005337.4).
Identifiers: ClinVar variation 2042236 (VCV002042236.7), dbSNP rs372750536, ClinGen allele CA6609587.

ClinVar aggregate classification (germline): Likely benign. Review status: criteria provided, multiple submitters, no conflicts (2 of 4 stars). 3 submissions from 3 submitters: Likely benign (2). 1 of the submissions does not count toward it. Last evaluated 2026-04-07.

Conditions:
NCKAP1L-related disorder. Also called: NCKAP1L-related condition.

Allele frequency attached by ClinVar (database versions not stated): gnomAD exomes 0.00001; gnomAD 0.00002; TOPMed 0.00005.
gnomAD v4.1: 58 of 1,611,626 alleles (0.0036%); highest among the groups gnomAD compares: East Asian, 0.029%; no homozygotes.

Submissions (3):

Women's Health and Genetics/Laboratory Corporation of America, LabCorp
Classification: Likely benign. Last evaluated: 2026-04-07. Review status: criteria provided, single submitter. Criteria: LabCorp Variant Classification Summary - May 2015. Collection method: clinical testing. Allele origin: germline.

Labcorp Genetics (formerly Invitae), Labcorp
Classification: Likely benign. Last evaluated: 2025-08-13. Review status: criteria provided, single submitter. Criteria: Invitae Variant Classification Sherloc (09022015). Collection method: clinical testing. Allele origin: germline.

PreventionGenetics, part of Exact Sciences
Classification: Likely benign for NCKAP1L-related condition. Last evaluated: 2022-10-11. Review status: no assertion criteria provided. Collection method: clinical testing. Allele origin: germline. Not counted in ClinVar's aggregate classification.
Comment: This variant is classified as likely benign based on ACMG/AMP sequence variant interpretation guidelines (Richards et al. 2015 PMID: 25741868, with internal and published modifications).